The following is an entry in ClinVar:

ClinVar aggregate classification (germline): Uncertain significance. Review status: criteria provided, multiple submitters, no conflicts (2 of 4 stars). 3 submissions from 3 submitters: Uncertain significance (3). Last evaluated 2025-07-18.

Conditions:
Hereditary cancer-predisposing syndrome. Also called: Neoplastic Syndromes, Hereditary; Tumor predisposition; Hereditary Cancer Syndrome; Hereditary neoplastic syndrome. Identifiers: Orphanet 140162, MedGen C0027672, MeSH D009386, MONDO:0015356.
Familial adenomatous polyposis 1 (FAP1). Also called: FAMILIAL ADENOMATOUS POLYPOSIS 1, ATTENUATED; POLYPOSIS, ADENOMATOUS INTESTINAL. Identifiers: MedGen C2713442, MONDO:0021056, OMIM 175100. Disease mechanism: loss of function.

Allele frequency attached by ClinVar (database versions not stated): gnomAD exomes below 0.00001.
gnomAD v4.1: 1 of 1,602,248 alleles (0.000062%); highest among the groups gnomAD compares: Non-Finnish European, 0.000085%; no homozygotes.

Submissions (3):

Ambry Genetics
Classification: Uncertain significance for Hereditary cancer-predisposing syndrome. Last evaluated: 2025-07-18. Review status: criteria provided, single submitter. Criteria: Ambry Variant Classification Scheme 2023. Collection method: clinical testing. Allele origin: germline.
Comment: The p.R2816G variant (also known as c.8446C>G), located in coding exon 15 of the APC gene, results from a C to G substitution at nucleotide position 8446. The arginine at codon 2816 is replaced by glycine, an amino acid with dissimilar properties. This amino acid position is highly conserved in available vertebrate species. In addition, in silico predictors for this gene do not accurately predict pathogenicity. Since supporting evidence is limited at this time, the clinical significance of this alteration remains unclear.

Labcorp Genetics (formerly Invitae), Labcorp
Classification: Uncertain significance for Familial adenomatous polyposis 1. Last evaluated: 2024-08-29. Review status: criteria provided, single submitter. Criteria: Invitae Variant Classification Sherloc (09022015). Collection method: clinical testing. Allele origin: germline.
Comment: This sequence change replaces arginine, which is basic and polar, with glycine, which is neutral and non-polar, at codon 2816 of the APC protein (p.Arg2816Gly). This variant is present in population databases (rs781229935, gnomAD 0.0009%). This variant has not been reported in the literature in individuals affected with APC-related conditions. ClinVar contains an entry for this variant (Variation ID: 482343). Invitae Evidence Modeling of protein sequence and biophysical properties (such as structural, functional, and spatial information, amino acid conservation, physicochemical variation, residue mobility, and thermodynamic stability) indicates that this missense variant is not expected to disrupt APC protein function with a negative predictive value of 95%. In summary, the available evidence is currently insufficient to determine the role of this variant in disease. Therefore, it has been classified as a Variant of Uncertain Significance.

Color Diagnostics, LLC DBA Color Health
Classification: Uncertain significance for Hereditary cancer-predisposing syndrome. Last evaluated: 2024-03-06. Review status: criteria provided, single submitter. Criteria: ACMG Guidelines, 2015. Collection method: clinical testing. Allele origin: germline.
Comment: This missense variant replaces arginine with glycine at codon 2816 of the APC protein. Computational prediction is inconclusive regarding the impact of this variant on protein structure and function (internally defined REVEL score threshold 0.5 < inconclusive < 0.7, PMID: 27666373). To our knowledge, functional studies have not been reported for this variant. This variant has not been reported in individuals affected with hereditary cancer in the literature. This variant has been identified in 1/237742 chromosomes in the general population by the Genome Aggregation Database (gnomAD). The available evidence is insufficient to determine the role of this variant in disease conclusively. Therefore, this variant is classified as a Variant of Uncertain Significance.

NM_000038.6(APC):c.8446C>G (p.Arg2816Gly)

Gene: APC (APC regulator of Wnt signaling pathway; plus strand). Cytogenetic location: 5q22.2.
Variant type: single nucleotide variant.
Coding change: c.8446C>G on transcript NM_000038.6 (MANE Select); coding-DNA position 8446, C replaced by G.
Protein change: p.Arg2816Gly; replaces arginine 2816 with glycine.
Molecular consequence: missense variant.
Genome position (GRCh38, 1-based): chr5:112,844,040, C>G. VCF-style: chr5-112844040-C-G. GRCh37 (hg19) VCF-style: chr5-112179737-C-G.
Other names: c.8446C>G, p.Arg2816Gly (NM_001127510.3, NM_001354895.2); c.8392C>G, p.Arg2798Gly (NM_001127511.3); c.8500C>G, p.Arg2834Gly (NM_001354896.2); c.8476C>G, p.Arg2826Gly (NM_001354897.2); c.8371C>G, p.Arg2791Gly (NM_001354898.2); c.8362C>G, p.Arg2788Gly (NM_001354899.2); c.8323C>G, p.Arg2775Gly (NM_001354900.2); c.8269C>G, p.Arg2757Gly (NM_001354901.2); and 5 more; short protein forms R2816G, R2798G, R2788G, R2834G, R2533G, R2690G, R2715G, R2826G.
Identifiers: ClinVar variation 482343 (VCV000482343.19), dbSNP rs781229935, ClinGen allele CA050846.